The following is an entry in ClinVar:

NM_006623.4(PHGDH):c.62A>C (p.Lys21Thr)

Gene: PHGDH (phosphoglycerate dehydrogenase; plus strand). Cytogenetic location: 1p12.
Variant type: single nucleotide variant.
Coding change: c.62A>C on transcript NM_006623.4 (MANE Select); coding-DNA position 62, A replaced by C.
Protein change: p.Lys21Thr; replaces lysine 21 with threonine.
Molecular consequence: missense variant.
Genome position (GRCh38, 1-based): chr1:119,712,084, A>C. VCF-style: chr1-119712084-A-C. GRCh37 (hg19) VCF-style: chr1-120254707-A-C.
Other names: short protein forms K21T.
Identifiers: ClinVar variation 1355708 (VCV001355708.6), dbSNP rs891735095, ClinGen allele CA341414884.

ClinVar aggregate classification (germline): Uncertain significance (1 of 4 stars; one submission).

Conditions:
PHGDH deficiency. Identifiers: Orphanet 79351, MedGen C1866174, MONDO:0011152, OMIM 601815.

Submission:

Labcorp Genetics (formerly Invitae), Labcorp
Classification: Uncertain significance for PHGDH deficiency. Last evaluated: 2022-02-24. Review status: criteria provided, single submitter. Criteria: Invitae Variant Classification Sherloc (09022015). Collection method: clinical testing. Allele origin: germline.
Comment: In summary, the available evidence is currently insufficient to determine the role of this variant in disease. Therefore, it has been classified as a Variant of Uncertain Significance. Algorithms developed to predict the effect of missense changes on protein structure and function (SIFT, PolyPhen-2, Align-GVGD) all suggest that this variant is likely to be tolerated. This variant has not been reported in the literature in individuals affected with PHGDH-related conditions. This variant is not present in population databases (gnomAD no frequency). This sequence change replaces lysine, which is basic and polar, with threonine, which is neutral and polar, at codon 21 of the PHGDH protein (p.Lys21Thr).